The following is an entry in ClinVar:

ClinVar aggregate classification (germline): Uncertain significance (1 of 4 stars; one submission).

Conditions:
CHRNA1-related disorder. Also called: CHRNA1-related condition.

Allele frequency attached by ClinVar (database versions not stated): TOPMed below 0.00001; gnomAD exomes 0.00001.
gnomAD v4.1: 9 of 1,614,164 alleles (0.00056%); highest among the groups gnomAD compares: Non-Finnish European, 0.00068%; no homozygotes.

Submission:

PreventionGenetics, part of Exact Sciences
Classification: Uncertain significance for CHRNA1-related condition. Last evaluated: 2023-01-04. Review status: criteria provided, single submitter. Criteria: ACMG Guidelines, 2015. Collection method: clinical testing. Allele origin: germline.
Comment: The CHRNA1 c.183C>G variant is predicted to result in the amino acid substitution p.Ile61Met. To our knowledge, this variant has not been reported in the literature or in a large population database, indicating this variant is rare. At this time, the clinical significance of this variant is uncertain due to the absence of conclusive functional and genetic evidence.

NM_000079.4(CHRNA1):c.183C>G (p.Ile61Met)

Gene: CHRNA1 (cholinergic receptor nicotinic alpha 1 subunit; minus strand). Cytogenetic location: 2q31.1.
Variant type: single nucleotide variant.
Coding change: c.183C>G on transcript NM_000079.4 (MANE Select); coding-DNA position 183, C replaced by G.
Protein change: p.Ile61Met; replaces isoleucine 61 with methionine.
Molecular consequence: missense variant.
Genome position (GRCh38, 1-based): chr2:174,759,494, G>C on the plus strand (C>G on the coding strand, the complement: CHRNA1 is on the minus strand). VCF-style: chr2-174759494-G-C. GRCh37 (hg19) VCF-style: chr2-175624222-G-C.
Other names: c.183C>G, p.Ile61Met (NM_001039523.3); short protein forms I61M.
Identifiers: ClinVar variation 2635284 (VCV002635284.1), dbSNP rs1684050172, ClinGen allele CA349344273.
Genomic context (GRCh38, chr2:174,759,494, plus strand): 5'-CCCAGGGGTGAGAGGTGTGGGTGTGTGGGCAGGCCCCCAGTGCTCTTGTCTCACCACATT[G>C]ATGAGCTGTATCAGCTGCAGGCCCACGGTGACCTCCACGACCTGGCGGTGGTCTTCCACT-3'
Protein context (NP_000070.1, residues 51-71): VTVGLQLIQL[Ile61Met]NVDEVNQIVT